The following is an entry in ClinVar:

ClinVar aggregate classification (germline): Pathogenic. Review status: criteria provided, multiple submitters, no conflicts (2 of 4 stars). 2 submissions from 2 submitters: Pathogenic (2). Last evaluated 2025-03-19.

Conditions:
Hereditary insensitivity to pain with anhidrosis (CIPA). Also called: NTRK1 Congenital Insensitivity to Pain with Anhidrosis; FAMILIAL DYSAUTONOMIA, TYPE II; INSENSITIVITY TO PAIN, CONGENITAL, WITH ANHIDROSIS; NEUROPATHY, CONGENITAL SENSORY, WITH ANHIDROSIS; HSAN Type IV; hereditary sensory and autonomic neuropathy type 4. Identifiers: Orphanet 642, MedGen C0020074, MONDO:0009746, OMIM 256800.

Submissions (2):

Natera, Inc.
Classification: Pathogenic for Hereditary insensitivity to pain with anhidrosis. Last evaluated: 2025-03-19. Review status: criteria provided, single submitter. Criteria: Natera Variant Classification Schema (03/2026). Collection method: clinical testing. Allele origin: germline.
Comment: The c.2086dup variant in NTRK1 is a frameshift variant predicted to shift the reading frame beginning at codon 696 and leads to a stop codon 2 codons downstream. This variant is expected to result in nonsense mediated decay, truncation, or a dysfunctional protein product. This variant is rare in the general population with a frequency below the threshold expected for the associated phenotype(s). This variant has been observed in one or more individuals affected with the associated recessive disease, as either homozygous or compound heterozygous with a second variant (PMID: 20647579). Given the available evidence, this variant is classified as Pathogenic.

Labcorp Genetics (formerly Invitae), Labcorp
Classification: Pathogenic for Hereditary insensitivity to pain with anhidrosis. Last evaluated: 2023-09-08. Review status: criteria provided, single submitter. Criteria: Invitae Variant Classification Sherloc (09022015). Collection method: clinical testing. Allele origin: germline.
Comment: This variant is not present in population databases (gnomAD no frequency). For these reasons, this variant has been classified as Pathogenic. ClinVar contains an entry for this variant (Variation ID: 2202865). This variant is also known as c.2086_2087 ins C. This premature translational stop signal has been observed in individual(s) with hereditary sensory and autonomic neuropathy (PMID: 20647579). This sequence change creates a premature translational stop signal (p.Arg696Profs*2) in the NTRK1 gene. It is expected to result in an absent or disrupted protein product. Loss-of-function variants in NTRK1 are known to be pathogenic (PMID: 10982191).

Literature cited by the submitters: PubMed 20647579 (cited by Natera, Inc. and Labcorp Genetics (formerly Invitae), Labcorp); PubMed 10982191 (cited by Labcorp Genetics (formerly Invitae), Labcorp).

NM_002529.4(NTRK1):c.2104dup (p.Arg702fs)

Gene: NTRK1 (neurotrophic receptor tyrosine kinase 1; plus strand). Cytogenetic location: 1q23.1.
Variant type: Duplication.
Coding change: c.2104dup on transcript NM_002529.4 (MANE Select); coding-DNA position 2104, one base duplicated (C; older notation c.2104dupC).
Protein change: p.Arg702fs; shifts the reading frame from arginine 702.
Molecular consequence: frameshift variant.
Genome position (GRCh38, 1-based): chr1:156,880,056, C duplicated; the last of 2 consecutive C bases (chr1:156,880,055-156,880,056); duplicating either gives the same sequence. VCF-style (leftmost placement, unchanged base first): chr1-156880054-A-AC. GRCh37 (hg19) VCF-style: chr1-156849846-A-AC.
Other names: c.2104dup, p.Arg702Profs (NM_001007204.1); c.1996dup, p.Arg666fs (NM_001007792.1); c.2086dup, p.Arg696fs (NM_001012331.2); short protein forms R666fs, R696fs, R702fs.
Identifiers: ClinVar variation 2202865 (VCV002202865.6), dbSNP rs2525660364, ClinGen allele CA2580061244.